The following is an entry in ClinVar:

NM_001278624.2(NFXL1):c.737C>T (p.Pro246Leu)

Gene: NFXL1 (nuclear transcription factor, X-box binding like 1; minus strand). Cytogenetic location: 4p12.
Variant type: single nucleotide variant.
Coding change: c.737C>T on transcript NM_001278624.2 (MANE Select); coding-DNA position 737, C replaced by T.
Protein change: p.Pro246Leu; replaces proline 246 with leucine.
Molecular consequence: missense variant. On other transcripts: non-coding transcript variant (1).
Genome position (GRCh38, 1-based): chr4:47,899,459, G>A on the plus strand (C>T on the coding strand, the complement: NFXL1 is on the minus strand). VCF-style: chr4-47899459-G-A. GRCh37 (hg19) VCF-style: chr4-47901476-G-A.
Other names: c.737C>T, p.Pro246Leu (NM_001278623.1, NM_152995.6); short protein forms P246L.
Identifiers: ClinVar variation 3060540 (VCV003060540.2), dbSNP rs12651301, ClinGen allele CA2910791.

ClinVar aggregate classification (germline): Benign (0 of 4 stars; one submission).

Conditions:
NFXL1-related disorder. Also called: NFXL1-related condition.

Allele frequency attached by ClinVar (database versions not stated): ESP Exome Variant Server 0.31762; gnomAD exomes 0.32845; TOPMed 0.33311; gnomAD 0.34115; ExAC 0.35133; 1000 Genomes Project 30x 0.38039; 1000 Genomes Project 0.38878.
gnomAD v4.1: 532,050 of 1,612,452 alleles (33%); highest among the groups gnomAD compares: East Asian, 58%; 90,486 homozygotes.

Submission:

PreventionGenetics, part of Exact Sciences
Classification: Benign for NFXL1-related condition. Last evaluated: 2019-10-21. Review status: no assertion criteria provided. Collection method: clinical testing. Allele origin: germline.
Comment: This variant is classified as benign based on ACMG/AMP sequence variant interpretation guidelines (Richards et al. 2015 PMID: 25741868, with internal and published modifications).